The following is an entry in ClinVar:

NM_182493.3(MYLK3):c.2147_2151del (p.Thr716fs)

Gene: MYLK3 (myosin light chain kinase 3; minus strand). Cytogenetic location: 16q11.2.
Variant type: Deletion.
Coding change: c.2147_2151del on transcript NM_182493.3 (MANE Select); coding-DNA positions 2147 to 2151, 5 bases deleted (CAGAT; older notation c.2147_2151delCAGAT).
Protein change: p.Thr716fs; shifts the reading frame from threonine 716.
Molecular consequence: frameshift variant.
Genome position (GRCh38, 1-based): chr16:46,710,753-46,710,757, ATCTG deleted on the plus strand (CAGAT on the coding strand, the reverse complement: MYLK3 is on the minus strand). VCF-style (leftmost placement, unchanged base first): chr16-46710752-CATCTG-C. GRCh37 (hg19) VCF-style: chr16-46744664-CATCTG-C.
Other names: c.1124_1128del, p.Thr375fs (NM_001308301.1); short protein forms T375fs, T716fs.
Identifiers: ClinVar variation 4702162 (VCV004702162.1).

ClinVar aggregate classification (germline): Uncertain significance (1 of 4 stars; one submission).

Submission:

Labcorp Genetics (formerly Invitae), Labcorp
Classification: Uncertain significance. Last evaluated: 2025-11-12. Review status: criteria provided, single submitter. Criteria: Invitae Variant Classification Sherloc (09022015). Collection method: clinical testing. Allele origin: germline.
Comment: This sequence change creates a premature translational stop signal (p.Thr716Serfs*11) in the MYLK3 gene. It is expected to result in an absent or disrupted protein product. However, the current clinical and genetic evidence is not sufficient to establish whether loss-of-function variants in MYLK3 cause disease. This variant is not present in population databases (gnomAD no frequency). This variant has not been reported in the literature in individuals affected with MYLK3-related conditions. Algorithms developed to predict the effect of sequence changes on RNA splicing suggest that this variant may disrupt the consensus splice site. In summary, the available evidence is currently insufficient to determine the role of this variant in disease. Therefore, it has been classified as a Variant of Uncertain Significance.